The following is an entry in ClinVar:

ClinVar aggregate classification (germline): Benign (1 of 4 stars; one submission).

Allele frequency attached by ClinVar (database versions not stated): gnomAD 0.00386.

Submission:

CeGaT Center for Human Genetics Tuebingen
Classification: Benign. Last evaluated: 2022-10-01. Review status: criteria provided, single submitter. Criteria: CeGaT Center For Human Genetics Tuebingen Variant Classification Criteria Version 2. Collection method: clinical testing. Allele origin: germline. Affected: yes. Observed: 2 variant alleles.
Comment: HCN4: BS1, BS2

NC_000015.10:g.73377435T>C

Genes: HCN4 (hyperpolarization activated cyclic nucleotide gated potassium channel 4; minus strand), LOC110121492 (VISTA enhancer hs2161; plus strand). Cytogenetic location: 15q24.1.
Variant type: single nucleotide variant.
Genome position: GRCh38 VCF-style: chr15-73377435-T-C. GRCh37 (hg19) VCF-style: chr15-73669776-T-C.
Identifiers: ClinVar variation 2645524 (VCV002645524.24), dbSNP rs879144656, ClinGen allele CA272662302.